The following is an entry in ClinVar:

NM_001105206.3(LAMA4):c.4134-1G>C

Gene: LAMA4 (laminin subunit alpha 4; minus strand). Cytogenetic location: 6q21.
Variant type: single nucleotide variant.
Coding change: c.4134-1G>C on transcript NM_001105206.3 (MANE Select); the canonical splice acceptor site of the intron before coding-DNA position 4134, G replaced by C.
Molecular consequence: splice acceptor variant.
Genome position (GRCh38, 1-based): chr6:112,129,076, C>G on the plus strand (G>C on the coding strand, the complement: LAMA4 is on the minus strand). VCF-style: chr6-112129076-C-G. GRCh37 (hg19) VCF-style: chr6-112450278-C-G.
Other names: c.4113-1G>C (NM_002290.5, NM_001105207.3).
Identifiers: ClinVar variation 930233 (VCV000930233.3), dbSNP rs886039116, ClinGen allele CA365372771.

ClinVar aggregate classification (germline): Uncertain significance (1 of 4 stars; one submission).

Conditions:
Dilated cardiomyopathy 1JJ (CMD1JJ). Identifiers: Orphanet 154, MedGen C3808935, MONDO:0014095, OMIM 615235.

Submission:

Centre for Mendelian Genomics, University Medical Centre Ljubljana
Classification: Uncertain significance for Dilated cardiomyopathy 1JJ. Last evaluated: 2020-03-23. Review status: criteria provided, single submitter. Criteria: ACMG Guidelines, 2015. Collection method: clinical testing. Allele origin: unknown. Affected: yes.
Comment: This variant was classified as: Uncertain significance. The available evidence on this variant's pathogenicity is insufficient or conflicting. The following ACMG criteria were applied in classifying this variant: PM2,PP3.